The following is an entry in ClinVar:

NM_002834.5(PTPN11):c.678A>G (p.Ile226Met)

Gene: PTPN11 (protein tyrosine phosphatase non-receptor type 11; plus strand). Cytogenetic location: 12q24.13.
Variant type: single nucleotide variant.
Coding change: c.678A>G on transcript NM_002834.5 (MANE Select); coding-DNA position 678, A replaced by G.
Protein change: p.Ile226Met; replaces isoleucine 226 with methionine.
Molecular consequence: missense variant.
Genome position (GRCh38, 1-based): chr12:112,455,985, A>G. VCF-style: chr12-112455985-A-G. GRCh37 (hg19) VCF-style: chr12-112893789-A-G.
Other names: c.678A>G, p.Ile226Met (NM_001330437.2, NM_080601.3); c.675A>G, p.Ile225Met (NM_001374625.1); short protein forms I225M, I226M.
Identifiers: ClinVar variation 5027624 (VCV005027624.1).
Genomic context (GRCh38, chr12:112,455,985, plus strand): 5'-TACATCAACTGCTGTACTCGATCAGCCCCTTAACACGACTCGTATAAATGCTGCTGAAAT[A>G]GAAAGCAGAGTTCGAGAACTAAGCAAATTAGCTGAGACCACAGATAAAGTCAAACAAGGC-3'
Protein context (NP_002825.3, residues 216-236): LNTTRINAAE[Ile226Met]ESRVRELSKL

ClinVar aggregate classification (germline): Uncertain significance (1 of 4 stars; one submission).

Conditions:
Cardiovascular phenotype. Identifiers: MedGen CN230736.

Submission:

Ambry Genetics
Classification: Uncertain significance for Cardiovascular phenotype. Last evaluated: 2026-07-18. Review status: criteria provided, single submitter. Criteria: Ambry Variant Classification Scheme 2023. Collection method: clinical testing. Allele origin: germline.
Comment: The p.I226M variant (also known as c.678A>G), located in coding exon 6 of the PTPN11 gene, results from an A to G substitution at nucleotide position 678. The isoleucine at codon 226 is replaced by methionine, an amino acid with highly similar properties. This amino acid position is conserved. In addition, this alteration is predicted to be deleterious by in silico analysis. Based on the available evidence, the clinical significance of this variant remains unclear.